The following is an entry in ClinVar:

ClinVar aggregate classification (germline): Uncertain significance (1 of 4 stars; one submission).

Conditions:
Wilms tumor 1 (WT1). Also called: Wilms tumor, somatic. Identifiers: Orphanet 654, MedGen CN033288, MONDO:0008679, OMIM 194070.

gnomAD v4.1: 1 of 1,204,284 alleles (0.000083%); no homozygotes.

Submission:

Labcorp Genetics (formerly Invitae), Labcorp
Classification: Uncertain significance for Wilms tumor 1. Last evaluated: 2023-01-22. Review status: criteria provided, single submitter. Criteria: Invitae Variant Classification Sherloc (09022015). Collection method: clinical testing. Allele origin: germline.
Comment: In summary, the available evidence is currently insufficient to determine the role of this variant in disease. Therefore, it has been classified as a Variant of Uncertain Significance. Advanced modeling of protein sequence and biophysical properties (such as structural, functional, and spatial information, amino acid conservation, physicochemical variation, residue mobility, and thermodynamic stability) performed at Invitae indicates that this missense variant is not expected to disrupt GPC3 protein function. This variant has not been reported in the literature in individuals affected with GPC3-related conditions. This variant is present in population databases (no rsID available, gnomAD 0.006%). This sequence change replaces histidine, which is basic and polar, with proline, which is neutral and non-polar, at codon 380 of the GPC3 protein (p.His380Pro).

NM_004484.4(GPC3):c.1139A>C (p.His380Pro)

Gene: GPC3 (glypican 3; minus strand). Cytogenetic location: Xq26.2.
Variant type: single nucleotide variant.
Coding change: c.1139A>C on transcript NM_004484.4 (MANE Select); coding-DNA position 1139, A replaced by C.
Protein change: p.His380Pro; replaces histidine 380 with proline.
Molecular consequence: missense variant.
Genome position (GRCh38, 1-based): chrX:133,699,922, T>G on the plus strand (A>C on the coding strand, the complement: GPC3 is on the minus strand). VCF-style: chrX-133699922-T-G. GRCh37 (hg19) VCF-style: chrX-132833950-T-G.
Other names: c.1208A>C, p.His403Pro (NM_001164617.2); c.1091A>C, p.His364Pro (NM_001164618.2); c.977A>C, p.His326Pro (NM_001164619.2); short protein forms H364P, H326P, H380P, H403P.
Identifiers: ClinVar variation 2830886 (VCV002830886.3), dbSNP rs1201293547, ClinGen allele CA414699513.